The following is an entry in ClinVar:

NM_000350.3(ABCA4):c.1075A>G (p.Ile359Val)

Gene: ABCA4 (ATP binding cassette subfamily A member 4; minus strand). Cytogenetic location: 1p22.1.
Variant type: single nucleotide variant.
Coding change: c.1075A>G on transcript NM_000350.3 (MANE Select); coding-DNA position 1075, A replaced by G.
Protein change: p.Ile359Val; replaces isoleucine 359 with valine.
Molecular consequence: missense variant.
Genome position (GRCh38, 1-based): chr1:94,080,502, T>C on the plus strand (A>G on the coding strand, the complement: ABCA4 is on the minus strand). VCF-style: chr1-94080502-T-C. GRCh37 (hg19) VCF-style: chr1-94546058-T-C.
Other names: c.1075A>G, p.Ile359Val (NM_001425324.1); short protein forms I359V.
Identifiers: ClinVar variation 2818425 (VCV002818425.3), dbSNP rs1160846575, ClinGen allele CA341283822.

ClinVar aggregate classification (germline): Uncertain significance (1 of 4 stars; one submission).

gnomAD v4.1: 3 of 1,614,202 alleles (0.00019%); highest among the groups gnomAD compares: Non-Finnish European, 0.00025%; no homozygotes.

Submission:

Labcorp Genetics (formerly Invitae), Labcorp
Classification: Uncertain significance. Last evaluated: 2022-12-04. Review status: criteria provided, single submitter. Criteria: Invitae Variant Classification Sherloc (09022015). Collection method: clinical testing. Allele origin: germline.
Comment: This sequence change replaces isoleucine, which is neutral and non-polar, with valine, which is neutral and non-polar, at codon 359 of the ABCA4 protein (p.Ile359Val). This variant is present in population databases (no rsID available, gnomAD 0.0009%). This variant has not been reported in the literature in individuals affected with ABCA4-related conditions. Advanced modeling of protein sequence and biophysical properties (such as structural, functional, and spatial information, amino acid conservation, physicochemical variation, residue mobility, and thermodynamic stability) performed at Invitae indicates that this missense variant is not expected to disrupt ABCA4 protein function. In summary, the available evidence is currently insufficient to determine the role of this variant in disease. Therefore, it has been classified as a Variant of Uncertain Significance.